The following is an entry in ClinVar:

ClinVar aggregate classification (germline): Uncertain significance (1 of 4 stars; one submission).

Submission:

Labcorp Genetics (formerly Invitae), Labcorp
Classification: Uncertain significance. Last evaluated: 2022-07-17. Review status: criteria provided, single submitter. Criteria: Invitae Variant Classification Sherloc (09022015). Collection method: clinical testing. Allele origin: germline.
Comment: In summary, the available evidence is currently insufficient to determine the role of this variant in disease. Therefore, it has been classified as a Variant of Uncertain Significance. Advanced modeling of protein sequence and biophysical properties (such as structural, functional, and spatial information, amino acid conservation, physicochemical variation, residue mobility, and thermodynamic stability) performed at Invitae indicates that this missense variant is not expected to disrupt KCNV2 protein function. This variant has not been reported in the literature in individuals affected with KCNV2-related conditions. This variant is not present in population databases (gnomAD no frequency). This sequence change replaces asparagine, which is neutral and polar, with histidine, which is basic and polar, at codon 248 of the KCNV2 protein (p.Asn248His).

NM_133497.4(KCNV2):c.742A>C (p.Asn248His)

Gene: KCNV2 (potassium voltage-gated channel modifier subfamily V member 2; plus strand). Cytogenetic location: 9p24.2.
Variant type: single nucleotide variant.
Coding change: c.742A>C on transcript NM_133497.4 (MANE Select); coding-DNA position 742, A replaced by C.
Protein change: p.Asn248His; replaces asparagine 248 with histidine.
Molecular consequence: missense variant.
Genome position (GRCh38, 1-based): chr9:2,718,481, A>C. VCF-style: chr9-2718481-A-C. GRCh37 (hg19) VCF-style: chr9-2718481-A-C.
Other names: short protein forms N248H.
Identifiers: ClinVar variation 2096260 (VCV002096260.4), dbSNP rs368923394, ClinGen allele CA372799001.